The following is an entry in ClinVar:

NM_001367549.1(ATP13A3):c.2009A>G (p.Asp670Gly)

Gene: ATP13A3 (ATPase 13A3; minus strand). Cytogenetic location: 3q29.
Variant type: single nucleotide variant.
Coding change: c.2009A>G on transcript NM_001367549.1 (MANE Select); coding-DNA position 2009, A replaced by G.
Protein change: p.Asp670Gly; replaces aspartic acid 670 with glycine.
Molecular consequence: missense variant. On other transcripts: non-coding transcript variant (2).
Genome position (GRCh38, 1-based): chr3:194,437,206, T>C on the plus strand (A>G on the coding strand, the complement: ATP13A3 is on the minus strand). VCF-style: chr3-194437206-T-C. GRCh37 (hg19) VCF-style: chr3-194157935-T-C.
Other names: c.1928A>G, p.Asp643Gly (NM_001374836.1); c.2009A>G, p.Asp670Gly (NM_024524.4); short protein forms D643G, D670G.
Identifiers: ClinVar variation 2431704 (VCV002431704.1), dbSNP rs2474377768, ClinGen allele CA355803022.
Genomic context (GRCh38, chr3:194,437,206, plus strand): 5'-TGTGCAAGAGCAATCACACGGAAGCCCTGTTTAGTGAAGTCTTCCAAAACGTTTTGAAAA[T>C]CGACAGGAACTTTTTAAAAGAAAGAGTAAATTTCATTGTTAGAGTTGCTAATACAAGTTT-3'
Protein context (NP_001354478.1, residues 660-680): GLCKPETVPV[Asp670Gly]FQNVLEDFTK

ClinVar aggregate classification (germline): Uncertain significance (1 of 4 stars; one submission).

Conditions:
Pulmonary hypertension, primary, 5. Also called: Pulmonary hypertension, primary, autosomal recessive. Identifiers: Orphanet 422, MedGen C5676877, MONDO:0009935, OMIM 265400.

Submission:

Laboratorio de Genetica e Diagnostico Molecular, Hospital Israelita Albert Einstein
Classification: Uncertain significance for Pulmonary hypertension, primary, 5. Last evaluated: 2023-01-20. Review status: criteria provided, single submitter. Criteria: ACMG Guidelines, 2015. Collection method: clinical testing. Allele origin: germline. Affected: yes. Observed: 1 variant allele.
Comment: ACMG classification criteria: PM2 moderated, BP4 supporting